The following is an entry in ClinVar:

NM_000394.4(CRYAA):c.202C>T (p.Arg68Trp)

Gene: CRYAA (crystallin alpha A; plus strand). Cytogenetic location: 21q22.3.
Variant type: single nucleotide variant.
Coding change: c.202C>T on transcript NM_000394.4 (MANE Select); coding-DNA position 202, C replaced by T.
Protein change: p.Arg68Trp; replaces arginine 68 with tryptophan.
Molecular consequence: missense variant.
Genome position (GRCh38, 1-based): chr21:43,170,529, C>T. VCF-style: chr21-43170529-C-T. GRCh37 (hg19) VCF-style: chr21-44590639-C-T.
Other names: c.91C>T, p.Arg31Trp (NM_001363766.1); c.202C>T (NM_000394.2, NM_000394.3); short protein forms R31W, R68W.
Identifiers: ClinVar variation 809292 (VCV000809292.52), dbSNP rs376164744, ClinGen allele CA321169144.

ClinVar aggregate classification (germline): Uncertain significance. Review status: criteria provided, multiple submitters, no conflicts (2 of 4 stars). 5 submissions from 5 submitters: Uncertain significance (4). 1 of the submissions does not count toward it. Last evaluated 2023-10-13.

Conditions:
Cataract 9 multiple types. Also called: Cataract 9, multiple types, with or without microcornea; Cataract, autosomal recessive congenital 1. Identifiers: Orphanet 1377, MedGen C1858679, MONDO:0011413, OMIM 604219.
CRYAA-related disorder. Also called: CRYAA-related condition.

Allele frequency attached by ClinVar (database versions not stated): gnomAD 0.00006; ExAC 0.00008; ESP Exome Variant Server 0.00008.

Submissions (5):

Ambry Genetics
Classification: Uncertain significance. Last evaluated: 2023-10-13. Review status: criteria provided, single submitter. Criteria: Ambry Variant Classification Scheme 2023. Collection method: clinical testing. Allele origin: germline.

Labcorp Genetics (formerly Invitae), Labcorp
Classification: Uncertain significance for Cataract 9 multiple types. Last evaluated: 2022-10-07. Review status: criteria provided, single submitter. Criteria: Invitae Variant Classification Sherloc (09022015). Collection method: clinical testing. Allele origin: germline.
Comment: This missense change has been observed in individual(s) with autosomal recessive congenital cataract (Invitae). This sequence change replaces arginine, which is basic and polar, with tryptophan, which is neutral and slightly polar, at codon 68 of the CRYAA protein (p.Arg68Trp). This variant is present in population databases (rs376164744, gnomAD 0.009%). ClinVar contains an entry for this variant (Variation ID: 809292). Algorithms developed to predict the effect of missense changes on protein structure and function are either unavailable or do not agree on the potential impact of this missense change (SIFT: "Deleterious"; PolyPhen-2: "Possibly Damaging"; Align-GVGD: "Class C15"). In summary, the available evidence is currently insufficient to determine the role of this variant in disease. Therefore, it has been classified as a Variant of Uncertain Significance.

Blueprint Genetics
Classification: Uncertain significance. Last evaluated: 2019-12-17. Review status: criteria provided, single submitter. Criteria: ACMG Guidelines, 2015. Collection method: clinical testing. Allele origin: germline.

CeGaT Center for Human Genetics Tuebingen
Classification: Uncertain significance. Last evaluated: 2016-11-01. Review status: criteria provided, single submitter. Criteria: CeGaT Center For Human Genetics Tuebingen Variant Classification Criteria Version 2. Collection method: clinical testing. Allele origin: germline. Affected: yes. Observed: 1 variant allele.

PreventionGenetics, part of Exact Sciences
Classification: Uncertain significance for CRYAA-related condition. Last evaluated: 2024-04-12. Review status: no assertion criteria provided. Collection method: clinical testing. Allele origin: germline. Not counted in ClinVar's aggregate classification.
Comment: The CRYAA c.202C>T variant is predicted to result in the amino acid substitution p.Arg68Trp. To our knowledge, this variant has not been reported in the literature. This variant is reported in 0.0093% of alleles in individuals of European (non-Finnish) descent in gnomAD. At this time, the clinical significance of this variant is uncertain due to the absence of conclusive functional and genetic evidence.